The following is an entry in ClinVar:

NM_003647.3(DGKE):c.1295A>T (p.Asp432Val)

Gene: DGKE (diacylglycerol kinase epsilon; plus strand). Cytogenetic location: 17q22.
Variant type: single nucleotide variant.
Coding change: c.1295A>T on transcript NM_003647.3 (MANE Select); coding-DNA position 1295, A replaced by T.
Protein change: p.Asp432Val; replaces aspartic acid 432 with valine.
Molecular consequence: missense variant.
Genome position (GRCh38, 1-based): chr17:56,861,801, A>T. VCF-style: chr17-56861801-A-T. GRCh37 (hg19) VCF-style: chr17-54939162-A-T.
Other names: short protein forms D432V.
Identifiers: ClinVar variation 2585553 (VCV002585553.1), dbSNP rs2509335452, ClinGen allele CA399908789.

ClinVar aggregate classification (germline): Uncertain significance (1 of 4 stars; one submission).

Conditions:
Immunoglobulin-mediated membranoproliferative glomerulonephritis. Also called: NEPHROTIC SYNDROME, TYPE 7, WITH MEMBRANOPROLIFERATIVE GLOMERULONEPHRITIS; Nephrotic syndrome, type 7. Identifiers: Orphanet 329903, MedGen C3554330, MONDO:0014005, OMIM 615008.

Submission:

Neuberg Centre For Genomic Medicine, NCGM
Classification: Uncertain significance for Immunoglobulin-mediated membranoproliferative glomerulonephritis. Review status: criteria provided, single submitter. Criteria: ACMG Guidelines, 2015. Collection method: clinical testing. Allele origin: germline. Inheritance: Autosomal recessive inheritance. Affected: yes.
Comment: The variant c.1295A>T (p.Asp432Val) in DGKE gene has not been reported previously as a pathogenic variant nor as a benign variant, to our knowledge. The p.Asp432Val variant is novel (not in any individuals) in gnomAD Exomes and 1000 Genomes. The amino acid Asp at position 432 is changed to a Val changing protein sequence and it might alter its composition and physico-chemical properties. The variant is predicted to be damaging by both SIFT and PolyPhen2. The residue is conserved across species. The amino acid change p.Asp432Val in DGKE is predicted as conserved by GERP++ and PhyloP across 100 vertebrates. For these reasons, this variant has been classified as Uncertain Significance.